The following is an entry in ClinVar:

NM_002637.4(PHKA1):c.2216G>A (p.Arg739Gln)

Gene: PHKA1 (phosphorylase kinase regulatory subunit alpha 1; minus strand). Cytogenetic location: Xq13.1.
Variant type: single nucleotide variant.
Coding change: c.2216G>A on transcript NM_002637.4 (MANE Select); coding-DNA position 2216, G replaced by A.
Protein change: p.Arg739Gln; replaces arginine 739 with glutamine.
Molecular consequence: missense variant.
Genome position (GRCh38, 1-based): chrX:72,619,227, C>T on the plus strand (G>A on the coding strand, the complement: PHKA1 is on the minus strand). VCF-style: chrX-72619227-C-T. GRCh37 (hg19) VCF-style: chrX-71839077-C-T.
Other names: c.2216G>A, p.Arg739Gln (NM_001122670.2); c.2039G>A, p.Arg680Gln (NM_001172436.2); short protein forms R680Q, R739Q.
Identifiers: ClinVar variation 2063284 (VCV002063284.7), dbSNP rs782419770, ClinGen allele CA10450740.

ClinVar aggregate classification (germline): Uncertain significance. Review status: criteria provided, multiple submitters, no conflicts (2 of 4 stars). 2 submissions from 2 submitters: Uncertain significance (2). Last evaluated 2026-01-27.

Conditions:
Glycogen storage disease IXd (GSD9D). Also called: Muscle Phosphorylase Kinase Deficiency; GSD IXd. Identifiers: Orphanet 715, MedGen C1845151, MONDO:0010362, OMIM 300559.

Allele frequency attached by ClinVar (database versions not stated): ExAC 0.00004; 1000 Genomes Project 30x 0.00042.
gnomAD v4.1: 41 of 1,174,522 alleles (0.0035%); highest among the groups gnomAD compares: South Asian, 0.011%; no homozygotes.

Submissions (2):

Labcorp Genetics (formerly Invitae), Labcorp
Classification: Uncertain significance for Glycogen storage disease IXd. Last evaluated: 2026-01-27. Review status: criteria provided, single submitter. Criteria: Invitae Variant Classification Sherloc (09022015). Collection method: clinical testing. Allele origin: germline.
Comment: This sequence change replaces arginine, which is basic and polar, with glutamine, which is neutral and polar, at codon 739 of the PHKA1 protein (p.Arg739Gln). The frequency data for this variant in the population databases is considered unreliable, as metrics indicate poor data quality at this position in the gnomAD database. This variant has not been reported in the literature in individuals affected with PHKA1-related conditions. ClinVar contains an entry for this variant (Variation ID: 2063284). Invitae Evidence Modeling of protein sequence and biophysical properties (such as structural, functional, and spatial information, amino acid conservation, physicochemical variation, residue mobility, and thermodynamic stability) indicates that this missense variant is not expected to disrupt PHKA1 protein function with a negative predictive value of 80%. In summary, the available evidence is currently insufficient to determine the role of this variant in disease. Therefore, it has been classified as a Variant of Uncertain Significance.

Revvity Omics, Revvity
Classification: Uncertain significance for Glycogen storage disease IXd. Last evaluated: 2023-01-10. Review status: criteria provided, single submitter. Criteria: ACMG Guidelines, 2015. Collection method: clinical testing. Allele origin: germline.